The following is an entry in ClinVar:

NM_004415.4(DSP):c.7278T>C (p.Tyr2426=)

Gene: DSP (desmoplakin; plus strand). Cytogenetic location: 6p24.3.
Variant type: single nucleotide variant.
Coding change: c.7278T>C on transcript NM_004415.4 (MANE Select); coding-DNA position 7278, T replaced by C.
Protein change: p.Tyr2426=; no amino-acid change (tyrosine 2426 retained).
Molecular consequence: synonymous variant.
Genome position (GRCh38, 1-based): chr6:7,584,540, T>C. VCF-style: chr6-7584540-T-C. GRCh37 (hg19) VCF-style: chr6-7584773-T-C.
Other names: c.7278T>C (NM_004415.3); c.5481T>C, p.Tyr1827= (NM_001008844.3); c.5949T>C, p.Tyr1983= (NM_001319034.2).
Identifiers: ClinVar variation 44950 (VCV000044950.36), dbSNP rs78843072, ClinGen allele CA007181.

ClinVar aggregate classification (germline): Benign/Likely benign. Review status: criteria provided, multiple submitters, no conflicts (2 of 4 stars). 12 submissions from 10 submitters: Benign (3); Likely benign (9). Last evaluated 2026-02-04.

Conditions:
Cardiovascular phenotype. Identifiers: MedGen CN230736.
Arrhythmogenic cardiomyopathy with wooly hair and keratoderma. Also called: Dilated cardiomyopathy with woolly hair and keratoderma; Arrhythmogenic cardiomyopathy with woolly hair and keratoderma; PALMOPLANTAR KERATODERMA WITH LEFT VENTRICULAR CARDIOMYOPATHY AND WOOLLY HAIR; Carvajal syndrome. Identifiers: Orphanet 65282, MedGen C1854063, MONDO:0011581, OMIM 605676.
Arrhythmogenic right ventricular dysplasia 8 (ARVD8). Also called: Arrhythmogenic Right Ventricular Dysplasia/Cardiomyopathy 8; ARRHYTHMOGENIC RIGHT VENTRICULAR DYSPLASIA, FAMILIAL, 8; ARRHYTHMOGENIC RIGHT VENTRICULAR CARDIOMYOPATHY 8. Identifiers: MedGen C1843896, MONDO:0011831, OMIM 607450.
Cardiomyopathy (CMYO). Also called: Cardiomyopathies. Identifiers: Orphanet 167848, MedGen C0878544, MONDO:0004994, HP:0001638. Inheritance: Various modes of inheritance.
Lethal acantholytic epidermolysis bullosa (EBLA). Identifiers: Orphanet 158687, MedGen C1864826, MONDO:0012323, OMIM 609638.
Woolly hair-skin fragility syndrome (WHSF). Identifiers: Orphanet 293165, MedGen C1843292, MONDO:0957307, OMIM 620415.

Allele frequency attached by ClinVar (database versions not stated): ESP Exome Variant Server 0.00008; gnomAD 0.00010 and 0.00011; gnomAD exomes 0.00010 and 0.00038; TOPMed 0.00024; ExAC 0.00040; 1000 Genomes Project 0.00060; 1000 Genomes Project 30x 0.00094.

Submissions (12):

Labcorp Genetics (formerly Invitae), Labcorp
Classification: Benign for Arrhythmogenic cardiomyopathy with wooly hair and keratoderma; Arrhythmogenic right ventricular dysplasia 8. Last evaluated: 2026-02-04. Review status: criteria provided, single submitter. Criteria: Invitae Variant Classification Sherloc (09022015). Collection method: clinical testing. Allele origin: germline.

Molecular Diagnostic Laboratory for Inherited Cardiovascular Disease, Montreal Heart Institute
Classification: Likely benign. Last evaluated: 2025-02-17. Review status: criteria provided, single submitter. Criteria: ACMG Guidelines, 2015. Collection method: clinical testing. Allele origin: germline. Affected: no.

Women's Health and Genetics/Laboratory Corporation of America, LabCorp
Classification: Benign. Last evaluated: 2025-02-13. Review status: criteria provided, single submitter. Criteria: LabCorp Variant Classification Summary - May 2015. Collection method: clinical testing. Allele origin: germline.

Blueprint Genetics
Classification: Likely benign. Last evaluated: 2024-05-23. Review status: criteria provided, single submitter. Criteria: ACMG Guidelines, 2015. Collection method: clinical testing. Allele origin: germline.

GeneDx
Classification: Likely benign. Last evaluated: 2021-06-23. Review status: criteria provided, single submitter. Criteria: GeneDx Variant Classification Process June 2021. Collection method: clinical testing. Allele origin: germline. Affected: yes.

Color Diagnostics, LLC DBA Color Health
Classification: Benign for Cardiomyopathy. Last evaluated: 2018-06-04. Review status: criteria provided, single submitter. Criteria: ACMG Guidelines, 2015. Collection method: clinical testing. Allele origin: germline.

Illumina Laboratory Services, Illumina
Classification: Likely benign for Arrhythmogenic cardiomyopathy with wooly hair and keratoderma. Last evaluated: 2018-01-12. Review status: criteria provided, single submitter. Criteria: ICSL Variant Classification Criteria 13 December 2019. Collection method: clinical testing. Allele origin: germline.
Comment: This variant was observed in the ICSL laboratory as part of a predisposition screen in an ostensibly healthy population. It had not been previously curated by ICSL or reported in the Human Gene Mutation Database (HGMD: prior to June 1st, 2018), and was therefore a candidate for classification through an automated scoring system. Utilizing variant allele frequency, disease prevalence and penetrance estimates, and inheritance mode, an automated score was calculated to assess if this variant is too frequent to cause the disease. Based on the score and internal cut-off values, a variant classified as likely benign is not then subjected to further curation. The score for this variant resulted in a classification of likely benign for this disease.

Illumina Laboratory Services, Illumina
Classification: Likely benign for Arrhythmogenic right ventricular dysplasia 8. Last evaluated: 2018-01-12. Review status: criteria provided, single submitter. Criteria: ICSL Variant Classification Criteria 13 December 2019. Collection method: clinical testing. Allele origin: germline.
Comment: the same text as in the submission from Illumina Laboratory Services, Illumina above.

Illumina Laboratory Services, Illumina
Classification: Likely benign for Lethal acantholytic epidermolysis bullosa. Last evaluated: 2018-01-12. Review status: criteria provided, single submitter. Criteria: ICSL Variant Classification Criteria 13 December 2019. Collection method: clinical testing. Allele origin: germline.
Comment: the same text as in the submission from Illumina Laboratory Services, Illumina above.

CHEO Genetics Diagnostic Laboratory, Children's Hospital of Eastern Ontario
Classification: Likely benign for Cardiomyopathy. Last evaluated: 2016-08-23. Review status: criteria provided, single submitter. Criteria: ACMG Guidelines, 2015. Collection method: clinical testing. Allele origin: germline. Study: Canadian Open Genetics Repository.

Ambry Genetics
Classification: Likely benign for Cardiovascular phenotype. Last evaluated: 2016-02-17. Review status: criteria provided, single submitter. Criteria: Ambry Variant Classification Scheme 2023. Collection method: clinical testing. Allele origin: germline.

Laboratory for Molecular Medicine, Mass General Brigham Personalized Medicine
Classification: Likely benign. Last evaluated: 2012-03-19. Review status: criteria provided, single submitter. Criteria: LMM Criteria. Collection method: clinical testing. Allele origin: germline. Observed: 1 variant allele.
Comment: Tyr2426Tyr in exon 24 of DSP: This variant is not expected to have clinical sign ificance because it does not alter an amino acid residue, and is not located wit hin the splice consensus sequence. It has been identified in 1/7020 European Ame rican chromosomes from a broad population by the NHLBI Exome Sequencing Project (dbSNP rs78843072). Tyr2426Tyr in exon 24 of DSP (rs78843072; allele frequency = 1/7020) **